The following is an entry in ClinVar:

NM_002788.4(PSMA3):c.568A>G (p.Ile190Val)

Genes: PSMA3 (proteasome 20S subunit alpha 3; plus strand), PSMA3-AS1 (PSMA3 antisense RNA 1; minus strand). Cytogenetic location: 14q23.1.
Variant type: single nucleotide variant.
Coding change: c.568A>G on transcript NM_002788.4 (MANE Select); coding-DNA position 568, A replaced by G.
Protein change: p.Ile190Val; replaces isoleucine 190 with valine.
Molecular consequence: missense variant. On other transcripts: non-coding transcript variant (1).
Genome position (GRCh38, 1-based): chr14:58,267,498, A>G. VCF-style: chr14-58267498-A-G. GRCh37 (hg19) VCF-style: chr14-58734216-A-G.
Other names: c.547A>G, p.Ile183Val (NM_152132.3); c.568A>G (NM_002788.3); short protein forms I183V, I190V.
Identifiers: ClinVar variation 2420052 (VCV002420052.7), dbSNP rs1403954498, ClinGen allele CA389852164.
Genomic context (GRCh38, chr14:58,267,498, plus strand): 5'-TCTTCTGATGAACAGTATACATTTTATTTTCTATAGATGAAAGAAATGACCTGCCGTGAT[A>G]TCGTTAAAGAAGTTGCAAAAATGTAAGTTGAAATTTTTCTTACCATCCACAAAAATATTT-3'
Protein context (NP_002779.1, residues 180-200): LQMKEMTCRD[Ile190Val]VKEVAKIIYI

ClinVar aggregate classification (germline): Conflicting classifications of pathogenicity. Review status: criteria provided, conflicting classifications (1 of 4 stars). 2 submissions from 2 submitters: Uncertain significance (1); Likely benign (1). Last evaluated 2025-06-09.

Allele frequency attached by ClinVar (database versions not stated): gnomAD 0.00001; gnomAD exomes 0.00002; TOPMed 0.00002.
gnomAD v4.1: 32 of 1,572,736 alleles (0.002%); highest among the groups gnomAD compares: East Asian, 0.039%; no homozygotes.

Submissions (2):

Labcorp Genetics (formerly Invitae), Labcorp
Classification: Uncertain significance. Last evaluated: 2025-06-09. Review status: criteria provided, single submitter. Criteria: Invitae Variant Classification Sherloc (09022015). Collection method: clinical testing. Allele origin: germline.
Comment: This sequence change replaces isoleucine, which is neutral and non-polar, with valine, which is neutral and non-polar, at codon 190 of the PSMA3 protein (p.Ile190Val). This variant is present in population databases (no rsID available, gnomAD 0.007%). This variant has not been reported in the literature in individuals affected with PSMA3-related conditions. ClinVar contains an entry for this variant (Variation ID: 2420052). An algorithm developed to predict the effect of missense changes on protein structure and function outputs the following: PolyPhen-2: "Benign". The valine amino acid residue is found in multiple mammalian species, which suggests that this missense change does not adversely affect protein function. In summary, the available evidence is currently insufficient to determine the role of this variant in disease. Therefore, it has been classified as a Variant of Uncertain Significance.

Ambry Genetics
Classification: Likely benign. Last evaluated: 2025-04-17. Review status: criteria provided, single submitter. Criteria: Ambry Variant Classification Scheme 2023. Collection method: clinical testing. Allele origin: germline.